The following is an entry in ClinVar:

NM_017635.5(KMT5B):c.919T>C (p.Tyr307His)

Gene: KMT5B (lysine methyltransferase 5B; minus strand). Cytogenetic location: 11q13.2.
Variant type: single nucleotide variant.
Coding change: c.919T>C on transcript NM_017635.5 (MANE Select); coding-DNA position 919, T replaced by C.
Protein change: p.Tyr307His; replaces tyrosine 307 with histidine.
Molecular consequence: missense variant. On other transcripts: non-coding transcript variant (3).
Genome position (GRCh38, 1-based): chr11:68,171,073, A>G on the plus strand (T>C on the coding strand, the complement: KMT5B is on the minus strand). VCF-style: chr11-68171073-A-G. GRCh37 (hg19) VCF-style: chr11-67938540-A-G.
Other names: c.403T>C, p.Tyr135His (NM_001300907.1, NM_001369424.1, NM_001369428.1 and 5 more transcripts); c.199T>C, p.Tyr67His (NM_001300908.2); c.850T>C, p.Tyr284His (NM_001300909.2); c.919T>C, p.Tyr307His (NM_001363566.2, NM_001369426.1, NM_001369427.1 and 1 more transcripts); c.706T>C, p.Tyr236His (NM_001369425.1); c.919T>C (NM_017635.3); short protein forms Y135H, Y236H, Y284H, Y307H, Y67H.
Identifiers: ClinVar variation 1801700 (VCV001801700.3), dbSNP rs2496380382, ClinGen allele CA381604849.

ClinVar aggregate classification (germline): Conflicting classifications of pathogenicity. Review status: criteria provided, conflicting classifications (1 of 4 stars). 3 submissions from 3 submitters: Likely pathogenic (1); Uncertain significance (2). Last evaluated 2026-01-14.

Conditions:
Global developmental delay (DD). Also called: Cognitive delay. Identifiers: MedGen C0557874, HP:0001263. Disease mechanism: loss of function.
Inborn genetic diseases. Identifiers: MedGen C0950123, MeSH D030342.

Submissions (3):

Ambry Genetics
Classification: Likely pathogenic for Inborn genetic diseases. Last evaluated: 2026-01-14. Review status: criteria provided, single submitter. Criteria: Ambry Variant Classification Scheme 2023. Collection method: clinical testing. Allele origin: germline.
Comment: The c.919T>C (p.Y307H) alteration is located in exon 9 (coding exon 8) of the KMT5B gene. This alteration results from a T to C substitution at nucleotide position 919, causing the tyrosine (Y) at amino acid position 307 to be replaced by a histidine (H). This variant was not reported in population-based cohorts in the Genome Aggregation Database (gnomAD). This amino acid position is highly conserved in available vertebrate species. This missense alteration is located in a region that has a low rate of benign missense variation (Lek, 2016; Firth, 2009). Based on the available evidence, this alteration is classified as likely pathogenic.

Human Genetics Bochum, Ruhr University Bochum
Classification: Uncertain significance for Global developmental delay. Last evaluated: 2022-05-13. Review status: criteria provided, single submitter. Criteria: ACMG Guidelines, 2015. Collection method: clinical testing. Allele origin: germline. Affected: yes.
Comment: ACMG criteria used to clasify this variant: PM2_SUP, PP3

Blueprint Genetics
Classification: Uncertain significance. Last evaluated: 2021-09-05. Review status: criteria provided, single submitter. Criteria: ACMG Guidelines, 2015. Collection method: clinical testing. Allele origin: germline.